The following is an entry in ClinVar:

ClinVar aggregate classification (germline): Likely benign (0 of 4 stars; one submission).

Conditions:
TRAK1-related disorder. Also called: TRAK1-related condition.

Allele frequency attached by ClinVar (database versions not stated): gnomAD exomes 0.00005; ExAC 0.00014; ESP Exome Variant Server 0.00046; gnomAD 0.00053; 1000 Genomes Project 0.00060; 1000 Genomes Project 30x 0.00062; TOPMed 0.00065.
gnomAD v4.1: 164 of 1,613,964 alleles (0.01%); highest among the groups gnomAD compares: African/African-American, 0.16%; no homozygotes.

Submission:

PreventionGenetics, part of Exact Sciences
Classification: Likely benign for TRAK1-related condition. Last evaluated: 2019-10-18. Review status: no assertion criteria provided. Collection method: clinical testing. Allele origin: germline.
Comment: This variant is classified as likely benign based on ACMG/AMP sequence variant interpretation guidelines (Richards et al. 2015 PMID: 25741868, with internal and published modifications).

NM_001042646.3(TRAK1):c.1190+4C>T

Gene: TRAK1 (trafficking kinesin protein 1; plus strand). Cytogenetic location: 3p22.1.
Variant type: single nucleotide variant.
Coding change: c.1190+4C>T on transcript NM_001042646.3 (MANE Select); 4 bases into the intron after coding-DNA position 1190, C replaced by T.
Molecular consequence: intron variant.
Genome position (GRCh38, 1-based): chr3:42,199,257, C>T. VCF-style: chr3-42199257-C-T. GRCh37 (hg19) VCF-style: chr3-42240749-C-T.
Other names: c.878+4C>T (NM_001349245.1); c.1190+4C>T (NM_001349247.2, NM_001349246.2, NM_001265608.2); c.968+4C>T (NM_001349249.1, NM_001349248.1, NM_001265609.2 and 1 more transcripts); c.1016+4C>T (NM_001410741.1, NM_014965.5).
Identifiers: ClinVar variation 3033966 (VCV003033966.2), dbSNP rs143137647, ClinGen allele CA2333401.